The following is an entry in ClinVar:

NM_078471.4(MYO18A):c.2231C>T (p.Pro744Leu)

Gene: MYO18A (myosin XVIIIA; minus strand). Cytogenetic location: 17q11.2.
Variant type: single nucleotide variant.
Coding change: c.2231C>T on transcript NM_078471.4 (MANE Select); coding-DNA position 2231, C replaced by T.
Protein change: p.Pro744Leu; replaces proline 744 with leucine.
Molecular consequence: missense variant.
Genome position (GRCh38, 1-based): chr17:29,115,438, G>A on the plus strand (C>T on the coding strand, the complement: MYO18A is on the minus strand). VCF-style: chr17-29115438-G-A. GRCh37 (hg19) VCF-style: chr17-27442456-G-A.
Other names: c.2288C>T, p.Pro763Leu (NM_001346765.2); c.2267C>T, p.Pro756Leu (NM_001346766.2); c.2231C>T, p.Pro744Leu (NM_001346767.2, NM_203318.2); c.857C>T, p.Pro286Leu (NM_001346768.2); short protein forms P744L, P756L, P286L, P763L.
Identifiers: ClinVar variation 2490691 (VCV002490691.9), dbSNP rs370690699, ClinGen allele CA8473020.

ClinVar aggregate classification (germline): Uncertain significance. Review status: criteria provided, multiple submitters, no conflicts (2 of 4 stars). 2 submissions from 2 submitters: Uncertain significance (2). Last evaluated 2025-04-01.

Allele frequency attached by ClinVar (database versions not stated): gnomAD 0.00001; TOPMed 0.00003; ExAC 0.00008; ESP Exome Variant Server 0.00008.
gnomAD v4.1: 36 of 1,613,144 alleles (0.0022%); highest among the groups gnomAD compares: East Asian, 0.013%; no homozygotes.

Submissions (2):

CeGaT Center for Human Genetics Tuebingen
Classification: Uncertain significance. Last evaluated: 2025-04-01. Review status: criteria provided, single submitter. Criteria: CeGaT Center For Human Genetics Tuebingen Variant Classification Criteria Version 2. Collection method: clinical testing. Allele origin: germline. Affected: yes. Observed: 1 variant allele.
Comment: MYO18A: PM2, BP4

Ambry Genetics
Classification: Uncertain significance. Last evaluated: 2023-02-28. Review status: criteria provided, single submitter. Criteria: Ambry Variant Classification Scheme 2023. Collection method: clinical testing. Allele origin: germline.